The following is an entry in ClinVar:

NM_006767.4(LZTR1):c.1957C>T (p.Gln653Ter)

Gene: LZTR1 (leucine zipper like post translational regulator 1; plus strand). Cytogenetic location: 22q11.21.
Variant type: single nucleotide variant.
Coding change: c.1957C>T on transcript NM_006767.4 (MANE Select); coding-DNA position 1957, C replaced by T.
Protein change: p.Gln653Ter; replaces glutamine 653 with a stop codon.
Molecular consequence: nonsense.
Genome position (GRCh38, 1-based): chr22:20,995,760, C>T. VCF-style: chr22-20995760-C-T. GRCh37 (hg19) VCF-style: chr22-21350049-C-T.
Other names: c.1957C>T (NM_006767.3); short protein forms Q653*.
Identifiers: ClinVar variation 1453892 (VCV001453892.10), dbSNP rs760312637, ClinGen allele CA10119172.

ClinVar aggregate classification (germline): Pathogenic/Likely pathogenic. Review status: criteria provided, multiple submitters, no conflicts (2 of 4 stars). 5 submissions from 5 submitters: Pathogenic (4); Likely pathogenic (1). Last evaluated 2025-11-19.

Conditions:
LZTR1-related schwannomatosis. Also called: Schwannomatosis-2, susceptibility to; Schwannomatosis 2. Identifiers: Orphanet 93921, MedGen C3810283, MONDO:0014299, OMIM 615670.
Hereditary cancer-predisposing syndrome. Also called: Hereditary Cancer Syndrome; Tumor predisposition; Hereditary neoplastic syndrome; Neoplastic Syndromes, Hereditary. Identifiers: Orphanet 140162, MedGen C0027672, MeSH D009386, MONDO:0015356.
Cardiovascular phenotype. Identifiers: MedGen CN230736.
Noonan syndrome 2 (NS2). Identifiers: Orphanet 648, MedGen C1854469, MONDO:0011531, OMIM 605275.

Allele frequency attached by ClinVar (database versions not stated): ExAC 0.00001.
gnomAD v4.1: 4 of 1,613,618 alleles (0.00025%); highest among the groups gnomAD compares: Non-Finnish European, 0.00025%; no homozygotes.

Submissions (5):

3billion
Classification: Pathogenic for Noonan syndrome 2. Last evaluated: 2025-11-19. Review status: criteria provided, single submitter. Criteria: ACMG Guidelines, 2015. Collection method: clinical testing. Allele origin: germline. Affected: yes.
Comment: The variant is observed at an extremely low frequency in the gnomAD v4.1.0 dataset (total allele frequency: <0.001%). Predicted Consequence/Location: Stop-gained (nonsense): predicted to result in a loss or disruption of normal protein function through nonsense-mediated decay (NMD) or protein truncation. Multiple pathogenic variants are reported downstream of the variant. In silico tools predict the variant to alter splicing and produce an abnormal transcript [SpliceAI: 0.25 (spliceogenicity >=0.2, non-spliceogenicity <0.1)]. The variant has been reported at least twice as pathogenic without evidence for the classification (ClinVar ID: VCV001453892). Therefore, this variant is classified as Pathogenic according to the recommendation of ACMG/AMP guideline.

Dasa
Classification: Pathogenic. Last evaluated: 2025-05-16. Review status: criteria provided, single submitter. Criteria: DASA Assertion Criteria. Collection method: clinical testing. Allele origin: germline.
Comment: NM_006767.4(LZTR1):c.1957C>T (p.Gln653*) introduces a premature termination codon predicted to result in loss of normal protein function. Loss-of-function is an established mechanism of disease for this gene. This variant has been reported in individuals with related phenotype. The variant is present at low frequency in population datasets. Based on the available data, this variant is classified as pathogenic.

Labcorp Genetics (formerly Invitae), Labcorp
Classification: Pathogenic. Last evaluated: 2025-01-30. Review status: criteria provided, single submitter. Criteria: Invitae Variant Classification Sherloc (09022015). Collection method: clinical testing. Allele origin: germline.
Comment: This sequence change creates a premature translational stop signal (p.Gln653*) in the LZTR1 gene. It is expected to result in an absent or disrupted protein product. Loss-of-function variants in LZTR1 are known to be pathogenic (PMID: 24362817, 25335493, 25480913, 25795793, 29469822, 30368668, 30442762, 30442766, 30481304, 30859559). This variant is present in population databases (rs760312637, gnomAD 0.0009%). This variant has not been reported in the literature in individuals affected with LZTR1-related conditions. ClinVar contains an entry for this variant (Variation ID: 1453892). Algorithms developed to predict the effect of sequence changes on RNA splicing suggest that this variant may disrupt the consensus splice site. For these reasons, this variant has been classified as Pathogenic.

Ambry Genetics
Classification: Pathogenic for Cardiovascular phenotype; Hereditary cancer-predisposing syndrome. Last evaluated: 2023-05-19. Review status: criteria provided, single submitter. Criteria: Ambry Variant Classification Scheme 2023. Collection method: clinical testing. Allele origin: germline.
Comment: The p.Q653* pathogenic mutation (also known as c.1957C>T), located in coding exon 17 of the LZTR1 gene, results from a C to T substitution at nucleotide position 1957. This changes the amino acid from a glutamine to a stop codon within coding exon 17. This alteration is expected to result in loss of function by premature protein truncation or nonsense-mediated mRNA decay. Loss-of-function variants in LZTR1 are related to an increased risk for schwannomas and autosomal recessive Noonan syndrome; however, such associations with autosomal dominant Noonan syndrome have not been observed (Piotrowski A et al. Nat Genet. 2014 Feb;46:182-7; Yamamoto GL et al. J Med Genet. 2015 Jun;52:413-21; Johnston JJ et al. Genet Med. 2018 10;20:1175-1185). Based on the supporting evidence, this variant is pathogenic for an increased risk of LZTR1-related schwannomatosis (SWN) and would be expected to cause autosomal recessive Noonan syndrome when present along with a second pathogenic or likely pathogenic variant on the other allele; however, the association of this alteration with autosomal dominant Noonan syndrome is unlikely.

Baylor Genetics
Classification: Likely pathogenic for LZTR1-related schwannomatosis. Last evaluated: 2022-04-06. Review status: criteria provided, single submitter. Criteria: ACMG Guidelines, 2015. Collection method: clinical testing. Allele origin: unknown.

Literature cited by the submitters: PubMed 24362817 (cited by Labcorp Genetics (formerly Invitae), Labcorp); PubMed 25335493 (cited by Labcorp Genetics (formerly Invitae), Labcorp); PubMed 25480913 (cited by Labcorp Genetics (formerly Invitae), Labcorp); PubMed 25795793 (cited by Labcorp Genetics (formerly Invitae), Labcorp); PubMed 29469822 (cited by Labcorp Genetics (formerly Invitae), Labcorp); PubMed 30368668 (cited by Labcorp Genetics (formerly Invitae), Labcorp); PubMed 30442762 (cited by Labcorp Genetics (formerly Invitae), Labcorp); PubMed 30442766 (cited by Labcorp Genetics (formerly Invitae), Labcorp); PubMed 30481304 (cited by Labcorp Genetics (formerly Invitae), Labcorp); PubMed 30859559 (cited by Labcorp Genetics (formerly Invitae), Labcorp).